The following is an entry in ClinVar:

ClinVar aggregate classification (germline): Uncertain significance (1 of 4 stars; one submission).

Conditions:
Melanoma, cutaneous malignant, susceptibility to, 5. Also called: Cutaneous malignant melanoma 5. Identifiers: Orphanet 618, MedGen C2751295, MONDO:0013133, OMIM 613099.

Submission:

Labcorp Genetics (formerly Invitae), Labcorp
Classification: Uncertain significance for Melanoma, cutaneous malignant, susceptibility to, 5. Last evaluated: 2021-02-22. Review status: criteria provided, single submitter. Criteria: Invitae Variant Classification Sherloc (09022015). Collection method: clinical testing. Allele origin: germline.
Comment: This sequence change creates a premature translational stop signal (p.Leu224Serfs*83) in the MC1R gene. While this is not anticipated to result in nonsense mediated decay, it is expected to disrupt the last 94 amino acid(s) of the MC1R protein. The frequency data for this variant in the population databases is considered unreliable, as metrics indicate poor data quality at this position in the ExAC database. This variant has not been reported in the literature in individuals with MC1R-related conditions. In summary, the available evidence is currently insufficient to determine the role of this variant in disease. Therefore, it has been classified as a Variant of Uncertain Significance.

NM_002386.4(MC1R):c.670_691del (p.Leu224fs)

Gene: MC1R (melanocortin 1 receptor; plus strand). Cytogenetic location: 16q24.3.
Variant type: Deletion.
Coding change: c.670_691del on transcript NM_002386.4 (MANE Select); coding-DNA positions 670 to 691, 22 bases deleted (CTCCACAAGAGGCAGCGCCCGG).
Protein change: p.Leu224fs; shifts the reading frame from leucine 224.
Molecular consequence: frameshift variant.
Genome position (GRCh38, 1-based): chr16:89,919,928-89,919,949, CTCCACAAGAGGCAGCGCCCGG deleted; deleting any 22 consecutive bases within chr16:89,919,921-89,919,949 gives the same sequence; the c. name uses the placement nearest the transcript's 3' end. VCF-style (leftmost placement, unchanged base first): chr16-89919920-TCGCCCGGCTCCACAAGAGGCAG-T. GRCh37 (hg19) VCF-style: chr16-89986328-TCGCCCGGCTCCACAAGAGGCAG-T.
Other names: short protein forms L224fs.
Identifiers: ClinVar variation 1491281 (VCV001491281.6), dbSNP rs772551710, ClinGen allele CA8255700.